The following is an entry in ClinVar:

ClinVar aggregate classification (germline): Uncertain significance (1 of 4 stars; one submission).

Conditions:
Progressive microcephaly-seizures-cortical blindness-developmental delay syndrome. Also called: Seizures, cortical blindness, and microcephaly syndrome. Identifiers: Orphanet 477814, MedGen C5567650, MONDO:0014714, OMIM 616632.
Autosomal dominant nonsyndromic hearing loss 1. Also called: KONIGSMARK SYNDROME; DEAFNESS, AUTOSOMAL DOMINANT 1, WITH OR WITHOUT THROMBOCYTOPENIA. Identifiers: Orphanet 90635, MedGen C1852282, MONDO:0007424, OMIM 124900.

Allele frequency attached by ClinVar (database versions not stated): gnomAD exomes below 0.00001; gnomAD 0.00001.
gnomAD v4.1: 2 of 1,613,648 alleles (0.00012%); highest among the groups gnomAD compares: Non-Finnish European, 0.00017%; no homozygotes.

Submission:

Labcorp Genetics (formerly Invitae), Labcorp
Classification: Uncertain significance for Progressive microcephaly-seizures-cortical blindness-developmental delay syndrome; Autosomal dominant nonsyndromic hearing loss 1. Last evaluated: 2022-12-31. Review status: criteria provided, single submitter. Criteria: Invitae Variant Classification Sherloc (09022015). Collection method: clinical testing. Allele origin: germline.
Comment: This sequence change replaces proline, which is neutral and non-polar, with leucine, which is neutral and non-polar, at codon 739 of the DIAPH1 protein (p.Pro739Leu). This variant is present in population databases (no rsID available, gnomAD 0.01%). This variant has not been reported in the literature in individuals affected with DIAPH1-related conditions. Algorithms developed to predict the effect of missense changes on protein structure and function are either unavailable or do not agree on the potential impact of this missense change (SIFT: "Deleterious"; PolyPhen-2: "Not Available"; Align-GVGD: "Class C0"). In summary, the available evidence is currently insufficient to determine the role of this variant in disease. Therefore, it has been classified as a Variant of Uncertain Significance.

NM_005219.5(DIAPH1):c.2216C>T (p.Pro739Leu)

Gene: DIAPH1 (diaphanous related formin 1; minus strand). Cytogenetic location: 5q31.3.
Variant type: single nucleotide variant.
Coding change: c.2216C>T on transcript NM_005219.5 (MANE Select); coding-DNA position 2216, C replaced by T.
Protein change: p.Pro739Leu; replaces proline 739 with leucine.
Molecular consequence: missense variant.
Genome position (GRCh38, 1-based): chr5:141,573,634, G>A on the plus strand (C>T on the coding strand, the complement: DIAPH1 is on the minus strand). VCF-style: chr5-141573634-G-A. GRCh37 (hg19) VCF-style: chr5-140953201-G-A.
Other names: c.2189C>T, p.Pro730Leu (NM_001079812.3); c.2216C>T, p.Pro739Leu (NM_001314007.2); short protein forms P730L, P739L.
Identifiers: ClinVar variation 2942815 (VCV002942815.3), dbSNP rs1346841969, ClinGen allele CA361517206.